The following is an entry in ClinVar:

NM_001197104.2(KMT2A):c.2468C>T (p.Pro823Leu)

Gene: KMT2A (lysine methyltransferase 2A; plus strand). Cytogenetic location: 11q23.3.
Variant type: single nucleotide variant.
Coding change: c.2468C>T on transcript NM_001197104.2 (MANE Select); coding-DNA position 2468, C replaced by T.
Protein change: p.Pro823Leu; replaces proline 823 with leucine.
Molecular consequence: missense variant.
Genome position (GRCh38, 1-based): chr11:118,473,627, C>T. VCF-style: chr11-118473627-C-T. GRCh37 (hg19) VCF-style: chr11-118344342-C-T.
Other names: c.2567C>T, p.Pro856Leu (NM_001412597.1); c.2468C>T, p.Pro823Leu (NM_005933.4); short protein forms P856L, P823L.
Identifiers: ClinVar variation 3673556 (VCV003673556.2).

ClinVar aggregate classification (germline): Uncertain significance (1 of 4 stars; one submission).

gnomAD v4.1: 11 of 1,614,040 alleles (0.00068%); highest among the groups gnomAD compares: Middle Eastern, 0.016%; no homozygotes.

Submission:

Labcorp Genetics (formerly Invitae), Labcorp
Classification: Uncertain significance. Last evaluated: 2024-06-17. Review status: criteria provided, single submitter. Criteria: Invitae Variant Classification Sherloc (09022015). Collection method: clinical testing. Allele origin: germline.
Comment: This sequence change replaces proline, which is neutral and non-polar, with leucine, which is neutral and non-polar, at codon 823 of the KMT2A protein (p.Pro823Leu). This variant is present in population databases (rs782329968, gnomAD 0.003%). This variant has not been reported in the literature in individuals affected with KMT2A-related conditions. Advanced modeling of protein sequence and biophysical properties (such as structural, functional, and spatial information, amino acid conservation, physicochemical variation, residue mobility, and thermodynamic stability) has been performed at Invitae for this missense variant, however the output from this modeling did not meet the statistical confidence thresholds required to predict the impact of this variant on KMT2A protein function. In summary, the available evidence is currently insufficient to determine the role of this variant in disease. Therefore, it has been classified as a Variant of Uncertain Significance.